The following is an entry in ClinVar:

NM_004260.4(RECQL4):c.1943C>T (p.Thr648Ile)

Gene: RECQL4 (RecQ like helicase 4; minus strand). Cytogenetic location: 8q24.3.
Variant type: single nucleotide variant.
Coding change: c.1943C>T on transcript NM_004260.4 (MANE Select); coding-DNA position 1943, C replaced by T.
Protein change: p.Thr648Ile; replaces threonine 648 with isoleucine.
Molecular consequence: missense variant.
Genome position (GRCh38, 1-based): chr8:144,514,043, G>A on the plus strand (C>T on the coding strand, the complement: RECQL4 is on the minus strand). VCF-style: chr8-144514043-G-A. GRCh37 (hg19) VCF-style: chr8-145739427-G-A.
Other names: c.1943C>T (NM_004260.3); short protein forms T648I.
Identifiers: ClinVar variation 1390024 (VCV001390024.7), dbSNP rs2130691808, ClinGen allele CA372680444.

ClinVar aggregate classification (germline): Uncertain significance. Review status: criteria provided, multiple submitters, no conflicts (2 of 4 stars). 2 submissions from 2 submitters: Uncertain significance (2). Last evaluated 2025-01-19.

Conditions:
Baller-Gerold syndrome (BGS). Also called: CRANIOSYNOSTOSIS WITH RADIAL DEFECTS. Identifiers: Orphanet 1225, MedGen C0265308, MONDO:0009039, OMIM 218600.
Inborn genetic diseases. Identifiers: MedGen C0950123, MeSH D030342.

Submissions (2):

Ambry Genetics
Classification: Uncertain significance for Inborn genetic diseases. Last evaluated: 2025-01-19. Review status: criteria provided, single submitter. Criteria: Ambry Variant Classification Scheme 2023. Collection method: clinical testing. Allele origin: germline.
Comment: The p.T648I variant (also known as c.1943C>T), located in coding exon 12 of the RECQL4 gene, results from a C to T substitution at nucleotide position 1943. The threonine at codon 648 is replaced by isoleucine, an amino acid with similar properties. This amino acid position is conserved. In addition, the in silico prediction for this alteration is inconclusive. Based on the available evidence, the clinical significance of this variant remains unclear.

Labcorp Genetics (formerly Invitae), Labcorp
Classification: Uncertain significance for Baller-Gerold syndrome. Last evaluated: 2021-08-23. Review status: criteria provided, single submitter. Criteria: Invitae Variant Classification Sherloc (09022015). Collection method: clinical testing. Allele origin: germline.
Comment: Experimental studies and prediction algorithms are not available or were not evaluated, and the functional significance of this variant is currently unknown. In summary, the available evidence is currently insufficient to determine the role of this variant in disease. Therefore, it has been classified as a Variant of Uncertain Significance. This sequence change replaces threonine with isoleucine at codon 648 of the RECQL4 protein (p.Thr648Ile). The threonine residue is highly conserved and there is a moderate physicochemical difference between threonine and isoleucine. This variant has not been reported in the literature in individuals affected with RECQL4-related conditions. This variant is not present in population databases (ExAC no frequency).